The following is an entry in ClinVar:

NM_001130082.3(PLXNB1):c.991C>T (p.Arg331Trp)

Gene: PLXNB1 (plexin B1; minus strand). Cytogenetic location: 3p21.31.
Variant type: single nucleotide variant.
Coding change: c.991C>T on transcript NM_001130082.3 (MANE Select); coding-DNA position 991, C replaced by T.
Protein change: p.Arg331Trp; replaces arginine 331 with tryptophan.
Molecular consequence: missense variant.
Genome position (GRCh38, 1-based): chr3:48,423,621, G>A on the plus strand (C>T on the coding strand, the complement: PLXNB1 is on the minus strand). VCF-style: chr3-48423621-G-A. GRCh37 (hg19) VCF-style: chr3-48465030-G-A.
Other names: c.991C>T, p.Arg331Trp (NM_002673.6); short protein forms R331W.
Identifiers: ClinVar variation 3036359 (VCV003036359.2), dbSNP rs146977900, ClinGen allele CA2375244.

ClinVar aggregate classification (germline): Likely benign (0 of 4 stars; one submission).

Conditions:
PLXNB1-related disorder. Also called: PLXNB1-related condition.

Allele frequency attached by ClinVar (database versions not stated): gnomAD exomes 0.00004; TOPMed 0.00009; gnomAD 0.00010; ExAC 0.00015; 1000 Genomes Project 30x 0.00078; 1000 Genomes Project 0.00080.

Submission:

PreventionGenetics, part of Exact Sciences
Classification: Likely benign for PLXNB1-related condition. Last evaluated: 2022-04-27. Review status: no assertion criteria provided. Collection method: clinical testing. Allele origin: germline.
Comment: This variant is classified as likely benign based on ACMG/AMP sequence variant interpretation guidelines (Richards et al. 2015 PMID: 25741868, with internal and published modifications).